The following is an entry in ClinVar:

NM_207391.3(RGS9BP):c.409G>C (p.Glu137Gln)

Gene: RGS9BP (regulator of G protein signaling 9 binding protein; plus strand). Cytogenetic location: 19q13.11.
Variant type: single nucleotide variant.
Coding change: c.409G>C on transcript NM_207391.3 (MANE Select); coding-DNA position 409, G replaced by C.
Protein change: p.Glu137Gln; replaces glutamic acid 137 with glutamine.
Molecular consequence: missense variant.
Genome position (GRCh38, 1-based): chr19:32,676,672, G>C. VCF-style: chr19-32676672-G-C. GRCh37 (hg19) VCF-style: chr19-33167578-G-C.
Other names: c.409G>C (NM_207391.2); short protein forms E137Q.
Identifiers: ClinVar variation 1410931 (VCV001410931.9), dbSNP rs1014043479, ClinGen allele CA307486298.

ClinVar aggregate classification (germline): Uncertain significance. Review status: criteria provided, multiple submitters, no conflicts (2 of 4 stars). 3 submissions from 3 submitters: Uncertain significance (3). Last evaluated 2024-02-16.

Allele frequency attached by ClinVar (database versions not stated): TOPMed 0.00002; gnomAD 0.00003 and 0.00004.
gnomAD v4.1: 16 of 1,534,740 alleles (0.001%); highest among the groups gnomAD compares: Admixed American, 0.012%; no homozygotes.

Submissions (3):

Labcorp Genetics (formerly Invitae), Labcorp
Classification: Uncertain significance. Last evaluated: 2024-02-16. Review status: criteria provided, single submitter. Criteria: Invitae Variant Classification Sherloc (09022015). Collection method: clinical testing. Allele origin: germline.
Comment: This sequence change replaces glutamic acid, which is acidic and polar, with glutamine, which is neutral and polar, at codon 137 of the RGS9BP protein (p.Glu137Gln). This variant is present in population databases (no rsID available, gnomAD 0.004%). This variant has not been reported in the literature in individuals affected with RGS9BP-related conditions. ClinVar contains an entry for this variant (Variation ID: 1410931). Algorithms developed to predict the effect of missense changes on protein structure and function output the following: SIFT: "Not Available"; PolyPhen-2: "Benign"; Align-GVGD: "Not Available". The glutamine amino acid residue is found in multiple mammalian species, which suggests that this missense change does not adversely affect protein function. In summary, the available evidence is currently insufficient to determine the role of this variant in disease. Therefore, it has been classified as a Variant of Uncertain Significance.

Ambry Genetics
Classification: Uncertain significance. Last evaluated: 2023-12-14. Review status: criteria provided, single submitter. Criteria: Ambry Variant Classification Scheme 2023. Collection method: clinical testing. Allele origin: germline.

Blueprint Genetics
Classification: Uncertain significance. Last evaluated: 2023-05-17. Review status: criteria provided, single submitter. Criteria: ACMG Guidelines, 2015. Collection method: clinical testing. Allele origin: germline.